The following is an entry in ClinVar:

NM_005458.8(GABBR2):c.2468C>T (p.Thr823Ile)

Gene: GABBR2 (gamma-aminobutyric acid type B receptor subunit 2; minus strand). Cytogenetic location: 9q22.33.
Variant type: single nucleotide variant.
Coding change: c.2468C>T on transcript NM_005458.8 (MANE Select); coding-DNA position 2468, C replaced by T.
Protein change: p.Thr823Ile; replaces threonine 823 with isoleucine.
Molecular consequence: missense variant.
Genome position (GRCh38, 1-based): chr9:98,299,298, G>A on the plus strand (C>T on the coding strand, the complement: GABBR2 is on the minus strand). VCF-style: chr9-98299298-G-A. GRCh37 (hg19) VCF-style: chr9-101061580-G-A.
Other names: short protein forms T823I.
Identifiers: ClinVar variation 1438288 (VCV001438288.8), dbSNP rs753265829, ClinGen allele CA5152459.

ClinVar aggregate classification (germline): Uncertain significance (1 of 4 stars; one submission).

Conditions:
Epileptic encephalopathy. Identifiers: MedGen C0543888, HP:0200134.

Allele frequency attached by ClinVar (database versions not stated): ExAC 0.00002; gnomAD exomes 0.00002.
gnomAD v4.1: 49 of 1,613,678 alleles (0.003%); highest among the groups gnomAD compares: Non-Finnish European, 0.0037%; no homozygotes.

Submission:

Labcorp Genetics (formerly Invitae), Labcorp
Classification: Uncertain significance for Epileptic encephalopathy. Last evaluated: 2025-07-27. Review status: criteria provided, single submitter. Criteria: Invitae Variant Classification Sherloc (09022015). Collection method: clinical testing. Allele origin: germline.
Comment: This sequence change replaces threonine, which is neutral and polar, with isoleucine, which is neutral and non-polar, at codon 823 of the GABBR2 protein (p.Thr823Ile). This variant is present in population databases (rs753265829, gnomAD 0.004%). This variant has not been reported in the literature in individuals affected with GABBR2-related conditions. ClinVar contains an entry for this variant (Variation ID: 1438288). Invitae Evidence Modeling of protein sequence and biophysical properties (such as structural, functional, and spatial information, amino acid conservation, physicochemical variation, residue mobility, and thermodynamic stability) indicates that this missense variant is not expected to disrupt GABBR2 protein function with a negative predictive value of 80%. In summary, the available evidence is currently insufficient to determine the role of this variant in disease. Therefore, it has been classified as a Variant of Uncertain Significance.